The following is an entry in ClinVar:

NM_001367624.2(ZNF469):c.7842G>C (p.Arg2614Ser)

Gene: ZNF469 (zinc finger protein 469; plus strand). Cytogenetic location: 16q24.2.
Variant type: single nucleotide variant.
Coding change: c.7842G>C on transcript NM_001367624.2 (MANE Select); coding-DNA position 7842, G replaced by C.
Protein change: p.Arg2614Ser; replaces arginine 2614 with serine.
Molecular consequence: missense variant.
Genome position (GRCh38, 1-based): chr16:88,435,312, G>C. VCF-style: chr16-88435312-G-C. GRCh37 (hg19) VCF-style: chr16-88501720-G-C.
Other names: NM_001127464.1:c.7758G>C; short protein forms R2614S.
Identifiers: ClinVar variation 2858446 (VCV002858446.4), dbSNP rs1906491699, ClinGen allele CA397115058.

ClinVar aggregate classification (germline): Uncertain significance. Review status: criteria provided, multiple submitters, no conflicts (2 of 4 stars). 2 submissions from 2 submitters: Uncertain significance (2). Last evaluated 2024-06-07.

Submissions (2):

GeneDx
Classification: Uncertain significance. Last evaluated: 2024-06-07. Review status: criteria provided, single submitter. Criteria: GeneDx Variant Classification Process June 2021. Collection method: clinical testing. Allele origin: germline. Affected: yes.
Comment: Not observed at significant frequency in large population cohorts (gnomAD); In silico analysis indicates that this missense variant does not alter protein structure/function; Has not been previously published as pathogenic or benign to our knowledge

Labcorp Genetics (formerly Invitae), Labcorp
Classification: Uncertain significance. Last evaluated: 2023-04-27. Review status: criteria provided, single submitter. Criteria: Invitae Variant Classification Sherloc (09022015). Collection method: clinical testing. Allele origin: germline.
Comment: In summary, the available evidence is currently insufficient to determine the role of this variant in disease. Therefore, it has been classified as a Variant of Uncertain Significance. An algorithm developed to predict the effect of missense changes on protein structure and function (PolyPhen-2) suggests that this variant is likely to be disruptive. This variant has not been reported in the literature in individuals affected with ZNF469-related conditions. This variant is not present in population databases (gnomAD no frequency). This sequence change replaces arginine, which is basic and polar, with serine, which is neutral and polar, at codon 2586 of the ZNF469 protein (p.Arg2586Ser).